The following is an entry in ClinVar:

ClinVar aggregate classification (germline): Uncertain significance (1 of 4 stars; one submission).

Conditions:
Dyskeratosis congenita, autosomal recessive 6 (DKCB6). Identifiers: MedGen C4225356, MONDO:0014600, OMIM 616353.
Pulmonary fibrosis and/or bone marrow failure, Telomere-related, 4. Also called: PULMONARY FIBROSIS AND/OR BONE MARROW FAILURE SYNDROME, TELOMERE-RELATED, 4. Identifiers: Orphanet 2032, MedGen C4225347, MONDO:0014612, OMIM 616371.

Submission:

Labcorp Genetics (formerly Invitae), Labcorp
Classification: Uncertain significance for Dyskeratosis congenita, autosomal recessive 6; Pulmonary fibrosis and/or bone marrow failure, Telomere-related, 4. Last evaluated: 2024-01-07. Review status: criteria provided, single submitter. Criteria: Invitae Variant Classification Sherloc (09022015). Collection method: clinical testing. Allele origin: germline.
Comment: This sequence change replaces alanine, which is neutral and non-polar, with glycine, which is neutral and non-polar, at codon 158 of the PARN protein (p.Ala158Gly). This variant is not present in population databases (gnomAD no frequency). This variant has not been reported in the literature in individuals affected with PARN-related conditions. An algorithm developed to predict the effect of missense changes on protein structure and function (PolyPhen-2) suggests that this variant is likely to be tolerated. In summary, the available evidence is currently insufficient to determine the role of this variant in disease. Therefore, it has been classified as a Variant of Uncertain Significance.

NM_002582.4(PARN):c.473C>G (p.Ala158Gly)

Gene: PARN (poly(A)-specific ribonuclease; minus strand). Cytogenetic location: 16p13.12.
Variant type: single nucleotide variant.
Coding change: c.473C>G on transcript NM_002582.4 (MANE Select); coding-DNA position 473, C replaced by G.
Protein change: p.Ala158Gly; replaces alanine 158 with glycine.
Molecular consequence: missense variant.
Genome position (GRCh38, 1-based): chr16:14,610,725, G>C on the plus strand (C>G on the coding strand, the complement: PARN is on the minus strand). VCF-style: chr16-14610725-G-C. GRCh37 (hg19) VCF-style: chr16-14704582-G-C.
Other names: c.290C>G, p.Ala97Gly (NM_001134477.3); c.335C>G, p.Ala112Gly (NM_001242992.2); short protein forms A112G, A158G, A97G.
Identifiers: ClinVar variation 2922018 (VCV002922018.3), dbSNP rs2508392677, ClinGen allele CA394810934.